The following is an entry in ClinVar:

NM_001375524.1(TRRAP):c.10624T>C (p.Tyr3542His)

Gene: TRRAP (transformation/transcription domain associated protein; plus strand). Cytogenetic location: 7q22.1.
Variant type: single nucleotide variant.
Coding change: c.10624T>C on transcript NM_001375524.1 (MANE Select); coding-DNA position 10624, T replaced by C.
Protein change: p.Tyr3542His; replaces tyrosine 3542 with histidine.
Molecular consequence: missense variant.
Genome position (GRCh38, 1-based): chr7:99,005,219, T>C. VCF-style: chr7-99005219-T-C. GRCh37 (hg19) VCF-style: chr7-98602842-T-C.
Other names: c.10582T>C, p.Tyr3528His (NM_001244580.2); c.10495T>C, p.Tyr3499His (NM_003496.4); c.10582T>C (NM_001244580.1); short protein forms Y3499H, Y3528H, Y3542H.
Identifiers: ClinVar variation 1285506 (VCV001285506.4), dbSNP rs199577454, ClinGen allele CA4361958.
Genomic context (GRCh38, chr7:99,005,219, plus strand): 5'-AAGCACAACACCGCAGCCCGGCGGCTGTACATCCGGGGACACAATGGCAAGATCTACCCA[T>C]ACCTCGTCATGAACGACGCCTGCCTCACAGAGTCACGGCGAGAGGAGCGTGTGTTGCAGC-3'
Protein context (NP_001362453.1, residues 3532-3552): IRGHNGKIYP[Tyr3542His]LVMNDACLTE

ClinVar aggregate classification (germline): Uncertain significance. Review status: criteria provided, multiple submitters, no conflicts (2 of 4 stars). 3 submissions from 3 submitters: Uncertain significance (3). Last evaluated 2026-06-17.

Conditions:
Inborn genetic diseases. Identifiers: MedGen C0950123, MeSH D030342.
Developmental delay with or without dysmorphic facies and autism. Identifiers: MedGen C5193106, MONDO:0032760, OMIM 618454.

Allele frequency attached by ClinVar (database versions not stated): gnomAD exomes 0.00001 and 0.00002; TOPMed below 0.00001; ExAC 0.00001; gnomAD 0.00001.
gnomAD v4.1: 36 of 1,613,998 alleles (0.0022%); highest among the groups gnomAD compares: Middle Eastern, 0.36%; 1 homozygote.

Submissions (3):

Ambry Genetics
Classification: Uncertain significance for Inborn genetic diseases. Last evaluated: 2026-06-17. Review status: criteria provided, single submitter. Criteria: Ambry Variant Classification Scheme 2023. Collection method: clinical testing. Allele origin: germline.
Comment: The c.10582T>C (p.Y3528H) alteration is located in exon 68 (coding exon 67) of the TRRAP gene. This alteration results from a T to C substitution at nucleotide position 10582, causing the tyrosine (Y) at amino acid position 3528 to be replaced by a histidine (H). Based on data from gnomAD, the C allele has an overall frequency of 0.001% (3/251386) total alleles studied. The highest observed frequency was 0.003% (1/30616) of South Asian alleles. Based on insufficient or conflicting evidence, the clinical significance of this alteration remains unclear.

Labcorp Genetics (formerly Invitae), Labcorp
Classification: Uncertain significance. Last evaluated: 2024-09-30. Review status: criteria provided, single submitter. Criteria: Invitae Variant Classification Sherloc (09022015). Collection method: clinical testing. Allele origin: germline.
Comment: This sequence change replaces tyrosine, which is neutral and polar, with histidine, which is basic and polar, at codon 3499 of the TRRAP protein (p.Tyr3499His). This variant is present in population databases (rs199577454, gnomAD 0.003%). This variant has not been reported in the literature in individuals affected with TRRAP-related conditions. ClinVar contains an entry for this variant (Variation ID: 1285506). Invitae Evidence Modeling of protein sequence and biophysical properties (such as structural, functional, and spatial information, amino acid conservation, physicochemical variation, residue mobility, and thermodynamic stability) indicates that this missense variant is expected to disrupt TRRAP protein function with a positive predictive value of 80%. In summary, the available evidence is currently insufficient to determine the role of this variant in disease. Therefore, it has been classified as a Variant of Uncertain Significance.

Institute of Human Genetics, University of Leipzig Medical Center
Classification: Uncertain significance for Developmental delay with or without dysmorphic facies and autism. Last evaluated: 2021-02-01. Review status: criteria provided, single submitter. Criteria: ACMG Guidelines, 2015. Collection method: clinical testing. Allele origin: unknown. Affected: yes.